The following is an entry in ClinVar:

ClinVar aggregate classification (germline): Likely benign (1 of 4 stars; one submission).

Allele frequency attached by ClinVar (database versions not stated): ExAC 0.00425; gnomAD 0.01260; ESP Exome Variant Server 0.01293; 1000 Genomes Project 0.01418; 1000 Genomes Project 30x 0.01499.

Submission:

GeneDx
Classification: Likely benign. Last evaluated: 2021-05-22. Review status: criteria provided, single submitter. Criteria: GeneDx Variant Classification Process June 2021. Collection method: clinical testing. Allele origin: germline. Affected: yes.
Comment: See Variant Classification Assertion Criteria.

NM_006662.3(SRCAP):c.3542-34G>T

Gene: SRCAP (Snf2 related CREBBP activator protein; plus strand). Cytogenetic location: 16p11.2.
Variant type: single nucleotide variant.
Coding change: c.3542-34G>T on transcript NM_006662.3 (MANE Select); 34 bases into the intron before coding-DNA position 3542, G replaced by T.
Molecular consequence: intron variant.
Genome position (GRCh38, 1-based): chr16:30,722,088, G>T. VCF-style: chr16-30722088-G-T. GRCh37 (hg19) VCF-style: chr16-30733409-G-T.
Identifiers: ClinVar variation 1706851 (VCV001706851.2), dbSNP rs114736523, ClinGen allele CA8011517.